The following is an entry in ClinVar:

NM_181332.3(NLGN4X):c.1934A>G (p.Asn645Ser)

Gene: NLGN4X (neuroligin 4 X-linked; minus strand). Cytogenetic location: Xp22.32.
Variant type: single nucleotide variant.
Coding change: c.1934A>G on transcript NM_181332.3 (MANE Select); coding-DNA position 1934, A replaced by G.
Protein change: p.Asn645Ser; replaces asparagine 645 with serine.
Molecular consequence: missense variant.
Genome position (GRCh38, 1-based): chrX:5,893,334, T>C on the plus strand (A>G on the coding strand, the complement: NLGN4X is on the minus strand). VCF-style: chrX-5893334-T-C. GRCh37 (hg19) VCF-style: chrX-5811375-T-C.
Other names: c.1934A>G, p.Asn645Ser (NM_001282145.2, NM_001282146.2, NM_020742.4); short protein forms N645S.
Identifiers: ClinVar variation 1311123 (VCV001311123.3), dbSNP rs778520251, ClinGen allele CA412013369.
Genomic context (GRCh38, chrX:5,893,334, plus strand): 5'-ATGAGGACAGTTGTGTCCTCAGGCCCTGTTTTGTGAGGGTCCTTAGAGTGTTTGGGATTG[T>C]TGGCAGGAGTGATTGCTGGGCGTTTGGTGGTTGGCCATATCTTGGCGGGAGATCGCCGGG-3'
Protein context (NP_851849.1, residues 635-655): TTKRPAITPA[Asn645Ser]NPKHSKDPHK

ClinVar aggregate classification (germline): Uncertain significance (1 of 4 stars; one submission).

Allele frequency attached by ClinVar (database versions not stated): TOPMed below 0.00001.

Submission:

GeneDx
Classification: Uncertain significance. Last evaluated: 2022-06-22. Review status: criteria provided, single submitter. Criteria: GeneDx Variant Classification Process June 2021. Collection method: clinical testing. Allele origin: germline. Affected: yes.
Comment: Not observed in large population cohorts (gnomAD); In silico analysis, which includes protein predictors and evolutionary conservation, supports that this variant does not alter protein structure/function; Has not been previously published as pathogenic or benign to our knowledge